The following is an entry in ClinVar:

ClinVar aggregate classification (germline): Likely pathogenic (1 of 4 stars; one submission).

Conditions:
Vitelliform macular dystrophy 2. Also called: Best Macular Dystrophy; VITELLIFORM MACULAR DYSTROPHY, EARLY-ONSET; VITELLIFORM MACULAR DYSTROPHY, JUVENILE-ONSET; Best Vitelliform Macular Dystrophy (BVMD); MACULAR DEGENERATION, POLYMORPHIC VITELLINE; Best vitelliform macular dystrophy, multifocal. Identifiers: Orphanet 1243, MedGen C2745945, MONDO:0007931, OMIM 153700.

Allele frequency attached by ClinVar (database versions not stated): gnomAD exomes below 0.00001; TOPMed below 0.00001.
gnomAD v4.1: 1 of 1,550,454 alleles (0.000064%); highest among the groups gnomAD compares: Non-Finnish European, 0.000087%; no homozygotes.

Submission:

Centre of Medical Genetics, University Hospital Muenster
Classification: Likely pathogenic for Vitelliform macular dystrophy 2. Last evaluated: 2022-07-15. Review status: criteria provided, single submitter. Criteria: ACMG Guidelines, 2015. Collection method: clinical testing. Allele origin: unknown. Affected: yes. Observed: 1 variant allele, 1 homozygote.
Comment: ACMG categories: PM2,PP3,PP4

NM_004183.4(BEST1):c.364C>T (p.Arg122Trp)

Gene: BEST1 (bestrophin 1; plus strand). Cytogenetic location: 11q12.3.
Variant type: single nucleotide variant.
Coding change: c.364C>T on transcript NM_004183.4 (MANE Select); coding-DNA position 364, C replaced by T.
Protein change: p.Arg122Trp; replaces arginine 122 with tryptophan.
Molecular consequence: missense variant. On other transcripts: non-coding transcript variant (1).
Genome position (GRCh38, 1-based): chr11:61,955,834, C>T. VCF-style: chr11-61955834-C-T. GRCh37 (hg19) VCF-style: chr11-61723306-C-T.
Other names: c.184C>T, p.Arg62Trp (NM_001139443.3, NM_001300786.2, NM_001300787.2); c.46C>T, p.Arg16Trp (NM_001363591.3); c.364C>T, p.Arg122Trp (NM_001363592.2); c.-812C>T (NM_001363593.3); short protein forms R122W, R16W, R62W.
Identifiers: ClinVar variation 1708389 (VCV001708389.2), dbSNP rs886622502, ClinGen allele CA222936276.